The following is an entry in ClinVar:

ClinVar aggregate classification (germline): Uncertain significance (1 of 4 stars; one submission).

Allele frequency attached by ClinVar (database versions not stated): gnomAD exomes below 0.00001.
gnomAD v4.1: 4 of 1,533,432 alleles (0.00026%); highest among the groups gnomAD compares: African/African-American, 0.0014%; no homozygotes.

Submission:

Greenwood Genetic Center Diagnostic Laboratories, Greenwood Genetic Center
Classification: Uncertain significance. Last evaluated: 2022-08-01. Review status: criteria provided, single submitter. Criteria: ACMG Guidelines, 2015. Collection method: clinical testing. Allele origin: germline. Affected: yes.
Comment: PM2

NM_019066.5(MAGEL2):c.980C>T (p.Ala327Val)

Gene: MAGEL2 (MAGE family member L2; minus strand). Cytogenetic location: 15q11.2.
Variant type: single nucleotide variant.
Coding change: c.980C>T on transcript NM_019066.5 (MANE Select); coding-DNA position 980, C replaced by T.
Protein change: p.Ala327Val; replaces alanine 327 with valine.
Molecular consequence: missense variant.
Genome position (GRCh38, 1-based): chr15:23,646,763, G>A on the plus strand (C>T on the coding strand, the complement: MAGEL2 is on the minus strand). VCF-style: chr15-23646763-G-A. GRCh37 (hg19) VCF-style: chr15-23891910-G-A.
Other names: short protein forms A327V.
Identifiers: ClinVar variation 1710477 (VCV001710477.3), dbSNP rs2503982449, ClinGen allele CA391335429.